The following is an entry in ClinVar:

NM_001003841.3(SLC6A19):c.569C>T (p.Ser190Leu)

Gene: SLC6A19 (solute carrier family 6 member 19; plus strand). Cytogenetic location: 5p15.33.
Variant type: single nucleotide variant.
Coding change: c.569C>T on transcript NM_001003841.3 (MANE Select); coding-DNA position 569, C replaced by T.
Protein change: p.Ser190Leu; replaces serine 190 with leucine.
Molecular consequence: missense variant.
Genome position (GRCh38, 1-based): chr5:1,212,390, C>T. VCF-style: chr5-1212390-C-T. GRCh37 (hg19) VCF-style: chr5-1212505-C-T.
Other names: short protein forms S190L.
Identifiers: ClinVar variation 1435406 (VCV001435406.7), dbSNP rs773280349, ClinGen allele CA3182770.

ClinVar aggregate classification (germline): Uncertain significance (1 of 4 stars; one submission).

Allele frequency attached by ClinVar (database versions not stated): gnomAD 0.00001; TOPMed 0.00002; 1000 Genomes Project 30x 0.00031.
gnomAD v4.1: 25 of 1,613,324 alleles (0.0015%); highest among the groups gnomAD compares: Admixed American, 0.0033%; no homozygotes.

Submission:

Labcorp Genetics (formerly Invitae), Labcorp
Classification: Uncertain significance. Last evaluated: 2024-04-17. Review status: criteria provided, single submitter. Criteria: Invitae Variant Classification Sherloc (09022015). Collection method: clinical testing. Allele origin: germline.
Comment: This sequence change replaces serine, which is neutral and polar, with leucine, which is neutral and non-polar, at codon 190 of the SLC6A19 protein (p.Ser190Leu). This variant is present in population databases (rs773280349, gnomAD 0.003%). This variant has not been reported in the literature in individuals affected with SLC6A19-related conditions. ClinVar contains an entry for this variant (Variation ID: 1435406). Advanced modeling of protein sequence and biophysical properties (such as structural, functional, and spatial information, amino acid conservation, physicochemical variation, residue mobility, and thermodynamic stability) performed at Invitae indicates that this missense variant is not expected to disrupt SLC6A19 protein function with a negative predictive value of 80%. In summary, the available evidence is currently insufficient to determine the role of this variant in disease. Therefore, it has been classified as a Variant of Uncertain Significance.